The following is an entry in ClinVar:

ClinVar aggregate classification (germline): Likely pathogenic (1 of 4 stars; one submission).

Conditions:
Rare genetic deafness. Identifiers: Orphanet 96210, MedGen C5680250.

Submission:

Laboratory for Molecular Medicine, Mass General Brigham Personalized Medicine
Classification: Likely pathogenic for Rare genetic deafness. Last evaluated: 2022-11-03. Review status: criteria provided, single submitter. Criteria: ACMG Guidelines, 2015. Collection method: clinical testing. Allele origin: germline.
Comment: The p.Pro2160LeufsX93 variant in MYO15A has not been reported in individuals with nonsyndromic hearing loss and was absent from large population studies. This variant is predicted to cause a frameshift, which alters the protein’s amino acid sequence beginning at position 2160 and leads to a premature termination codon 93 amino acids downstream. This alteration is then predicted to lead to a truncated or absent protein. Loss of function of the MYO15A gene is an established disease mechanism in autosomal recessive nonsyndromic hearing loss. In summary, although additional studies are required to fully establish its clinical significance, this variant meets criteria to be classified as likely pathogenic for autosomal recessive nonsyndromic hearing loss. ACMG/AMP Criteria applied: PM2_supporting, PVS1.

NM_016239.4(MYO15A):c.6479del (p.Pro2160fs)

Gene: MYO15A (myosin XVA; plus strand). Cytogenetic location: 17p11.2.
Variant type: Deletion.
Coding change: c.6479del on transcript NM_016239.4 (MANE Select); coding-DNA position 6479, one base deleted (C; older notation c.6479delC).
Protein change: p.Pro2160fs; shifts the reading frame from proline 2160.
Molecular consequence: frameshift variant.
Genome position (GRCh38, 1-based): chr17:18,146,077, C deleted; the last of 2 consecutive C bases (chr17:18,146,076-18,146,077); deleting either gives the same sequence. VCF-style (leftmost placement, unchanged base first): chr17-18146075-AC-A. GRCh37 (hg19) VCF-style: chr17-18049389-AC-A.
Other names: short protein forms P2160fs.
Identifiers: ClinVar variation 3075904 (VCV003075904.1), dbSNP rs2545272467, ClinGen allele CA2636448611.